The following is an entry in ClinVar:

ClinVar aggregate classification (germline): Uncertain significance. Review status: criteria provided, multiple submitters, no conflicts (2 of 4 stars). 2 submissions from 2 submitters: Uncertain significance (2). Last evaluated 2024-02-22.

Conditions:
Fanconi anemia complementation group P. Also called: SLX4-Related Fanconi Anemia. Identifiers: Orphanet 84, MedGen C3469542, MONDO:0013499, OMIM 613951.
Fanconi anemia (FA). Also called: Fanconi's anemia. Identifiers: Orphanet 84, MedGen C0015625, MeSH D005199, MONDO:0019391.

Allele frequency attached by ClinVar (database versions not stated): gnomAD 0.00001 and 0.00002; gnomAD exomes 0.00001 and 0.00002; TOPMed 0.00001; ExAC 0.00002.

Submissions (2):

Fulgent Genetics
Classification: Uncertain significance for Fanconi anemia complementation group P. Last evaluated: 2024-02-22. Review status: criteria provided, single submitter. Criteria: ACMG Guidelines, 2015. Collection method: clinical testing. Allele origin: germline.

Labcorp Genetics (formerly Invitae), Labcorp
Classification: Uncertain significance for Fanconi anemia. Last evaluated: 2023-02-08. Review status: criteria provided, single submitter. Criteria: Invitae Variant Classification Sherloc (09022015). Collection method: clinical testing. Allele origin: germline.
Comment: In summary, the available evidence is currently insufficient to determine the role of this variant in disease. Therefore, it has been classified as a Variant of Uncertain Significance. Algorithms developed to predict the effect of missense changes on protein structure and function output the following: SIFT: "Tolerated"; PolyPhen-2: "Benign"; Align-GVGD: "Class C0". The threonine amino acid residue is found in multiple mammalian species, which suggests that this missense change does not adversely affect protein function. This variant is present in population databases (rs762565535, gnomAD 0.006%). ClinVar contains an entry for this variant (Variation ID: 1403188). This variant has not been reported in the literature in individuals affected with SLX4-related conditions. This sequence change replaces alanine, which is neutral and non-polar, with threonine, which is neutral and polar, at codon 1495 of the SLX4 protein (p.Ala1495Thr).

NM_032444.4(SLX4):c.4483G>A (p.Ala1495Thr)

Gene: SLX4 (SLX4 structure-specific endonuclease subunit; minus strand). Cytogenetic location: 16p13.3.
Variant type: single nucleotide variant.
Coding change: c.4483G>A on transcript NM_032444.4 (MANE Select); coding-DNA position 4483, G replaced by A.
Protein change: p.Ala1495Thr; replaces alanine 1495 with threonine.
Molecular consequence: missense variant.
Genome position (GRCh38, 1-based): chr16:3,589,155, C>T on the plus strand (G>A on the coding strand, the complement: SLX4 is on the minus strand). VCF-style: chr16-3589155-C-T. GRCh37 (hg19) VCF-style: chr16-3639156-C-T.
Other names: short protein forms A1495T.
Identifiers: ClinVar variation 1403188 (VCV001403188.8), dbSNP rs762565535, ClinGen allele CA7865627.
Genomic context (GRCh38, chr16:3,589,155, plus strand): 5'-CCCAAACGTCCCACAGAGCCGAATTCAGAAAGCTCGGCCTGCTATTCCCCAGGGAGCCCG[C>T]GCCCGAGGACTTCTCTTGCAATTTCCTCTGGGTAGTGCAGCTTCCTCGGATGGGGGTGGT-3'
Protein context (NP_115820.2, residues 1485-1505): QRKLQEKSSG[Ala1495Thr]GSLGNSRPSF